The following is an entry in ClinVar:

GRCh37/hg19 2p16.1-14(chr2:56466440-65809354)x3

Genes: ACTR2 (actin related protein 2; plus strand), AFTPH (aftiphilin; plus strand), B3GNT2 (UDP-GlcNAc:betaGal beta-1,3-N-acetylglucosaminyltransferase 2; plus strand), BCL11A (BCL11 transcription factor A; minus strand), C2orf74 (chromosome 2 open reading frame 74; plus strand) and 27 more. Cytogenetic location: 2p16.1-14.
Variant type: copy number gain.
Change: copy number 3 (three copies instead of two) of chr2:56,466,440-65,809,354 (9.34 Mb, GRCh37 coordinates, 1-based), cytogenetic band 2p16.1-14.
Identifiers: ClinVar variation 4682541 (VCV004682541.1).

ClinVar aggregate classification (germline): Likely pathogenic (1 of 4 stars; one submission).

Submission:

Quest Diagnostics Nichols Institute San Juan Capistrano
Classification: Likely pathogenic. Last evaluated: 2024-12-02. Review status: criteria provided, single submitter. Criteria: ACMG/ClinGen CNV Guidelines, 2019. Collection method: clinical testing. Allele origin: unknown.
Comment: This duplication involves at least 32 protein-coding genes. Similar heterozygous duplications have been reported in individuals with variable phenotypes (Chen 2018, Lovrecic 2018, Mimouni-Bloch 2015, Pavone 2019, Wang 2023). There are no similar copy number gains of this region in the general populations of the Database of Genomic Variants. Thus, based on gene content and current medical literature, this copy number variant (CNV) is classified as likely pathogenic. References Chen et al., Taiwan J Obstet Gynecol. 2018 Aug;57(4):578-582. PMID: 30122582 Lovrecic et al., Mol Cytogenet. 2018 Jun 20;11:39. PMID: 29951117 Mimouni-Bloch et al., Eur J Paediatr Neurol. 2015 Nov;19(6):711-5. PMID: 26278498 Pavone et al., Eur J Med Genet. 2019 Jan;62(1):47-54. PMID: 29864511 Wang et al., Front Cardiovasc Med. 2023 Oct 23:10:1219480. PMID: 37937284